The following is an entry in ClinVar:

NM_002439.5(MSH3):c.1138G>C (p.Asp380His)

Gene: MSH3 (mutS homolog 3; plus strand). Cytogenetic location: 5q14.1.
Variant type: single nucleotide variant.
Coding change: c.1138G>C on transcript NM_002439.5 (MANE Select); coding-DNA position 1138, G replaced by C.
Protein change: p.Asp380His; replaces aspartic acid 380 with histidine.
Molecular consequence: missense variant.
Genome position (GRCh38, 1-based): chr5:80,675,093, G>C. VCF-style: chr5-80675093-G-C. GRCh37 (hg19) VCF-style: chr5-79970912-G-C.
Other names: short protein forms D380H.
Identifiers: ClinVar variation 2841667 (VCV002841667.3), dbSNP rs2546724377, ClinGen allele CA360268240.

ClinVar aggregate classification (germline): Uncertain significance (1 of 4 stars; one submission).

Submission:

Labcorp Genetics (formerly Invitae), Labcorp
Classification: Uncertain significance. Last evaluated: 2023-11-17. Review status: criteria provided, single submitter. Criteria: Invitae Variant Classification Sherloc (09022015). Collection method: clinical testing. Allele origin: germline.
Comment: This sequence change replaces aspartic acid, which is acidic and polar, with histidine, which is basic and polar, at codon 380 of the MSH3 protein (p.Asp380His). This variant is not present in population databases (gnomAD no frequency). This variant has not been reported in the literature in individuals affected with MSH3-related conditions. An algorithm developed to predict the effect of missense changes on protein structure and function (PolyPhen-2) suggests that this variant is likely to be tolerated. In summary, the available evidence is currently insufficient to determine the role of this variant in disease. Therefore, it has been classified as a Variant of Uncertain Significance.